The following is an entry in ClinVar:

NM_001385079.1(PDE10A):c.3033C>G (p.Leu1011=)

Gene: PDE10A (phosphodiesterase 10A; minus strand). Cytogenetic location: 6q27.
Variant type: single nucleotide variant.
Coding change: c.3033C>G on transcript NM_001385079.1 (MANE Select); coding-DNA position 3033, C replaced by G.
Protein change: p.Leu1011=; no amino-acid change (leucine 1011 retained).
Molecular consequence: synonymous variant.
Genome position (GRCh38, 1-based): chr6:165,336,155, G>C on the plus strand (C>G on the coding strand, the complement: PDE10A is on the minus strand). VCF-style: chr6-165336155-G-C. GRCh37 (hg19) VCF-style: chr6-165749644-G-C.
Other names: c.2235C>G, p.Leu745= (NM_001130690.3); c.2205C>G, p.Leu735= (NM_006661.4).
Identifiers: ClinVar variation 786541 (VCV000786541.13), dbSNP rs143718875, ClinGen allele CA4091942.

ClinVar aggregate classification (germline): Benign. Review status: criteria provided, single submitter (1 of 4 stars). 2 submissions from 2 submitters: Benign (1). 1 of the submissions does not count toward it. Last evaluated 2026-01-12.

Conditions:
PDE10A-related disorder. Also called: PDE10A-related condition.

Allele frequency attached by ClinVar (database versions not stated): ExAC 0.00226; 1000 Genomes Project 30x 0.00593; 1000 Genomes Project 0.00679; gnomAD 0.00729 and 0.00800; TOPMed 0.00818; ESP Exome Variant Server 0.00823.
gnomAD v4.1: 2,254 of 1,613,932 alleles (0.14%); highest among the groups gnomAD compares: African/African-American, 2.6%; 26 homozygotes.

Submissions (2):

Labcorp Genetics (formerly Invitae), Labcorp
Classification: Benign. Last evaluated: 2026-01-12. Review status: criteria provided, single submitter. Criteria: Invitae Variant Classification Sherloc (09022015). Collection method: clinical testing. Allele origin: germline.

PreventionGenetics, part of Exact Sciences
Classification: Benign for PDE10A-related condition. Last evaluated: 2020-01-02. Review status: no assertion criteria provided. Collection method: clinical testing. Allele origin: germline. Not counted in ClinVar's aggregate classification.
Comment: This variant is classified as benign based on ACMG/AMP sequence variant interpretation guidelines (Richards et al. 2015 PMID: 25741868, with internal and published modifications).